The following is an entry in ClinVar:

NM_000532.5(PCCB):c.911C>T (p.Thr304Ile)

Gene: PCCB (propionyl-CoA carboxylase subunit beta; plus strand). Cytogenetic location: 3q22.3.
Variant type: single nucleotide variant.
Coding change: c.911C>T on transcript NM_000532.5 (MANE Select); coding-DNA position 911, C replaced by T.
Protein change: p.Thr304Ile; replaces threonine 304 with isoleucine.
Molecular consequence: missense variant.
Genome position (GRCh38, 1-based): chr3:136,301,056, C>T. VCF-style: chr3-136301056-C-T. GRCh37 (hg19) VCF-style: chr3-136019898-C-T.
Other names: p.Thr304Ile; c.971C>T, p.Thr324Ile (NM_001178014.2); short protein forms T304I, T324I.
Identifiers: ClinVar variation 566744 (VCV000566744.32), dbSNP rs147538201, ClinGen allele CA2631934.

ClinVar aggregate classification (germline): Conflicting classifications of pathogenicity. Review status: criteria provided, conflicting classifications (1 of 4 stars). 9 submissions from 9 submitters: Uncertain significance (6); Likely benign (2). 1 of the submissions does not count toward it. Last evaluated 2026-04-01.

Conditions:
Inborn genetic diseases. Identifiers: MedGen C0950123, MeSH D030342.
Propionic acidemia (PROP). Also called: HYPERGLYCINEMIA WITH KETOACIDOSIS AND LEUKOPENIA; KETOTIC HYPERGLYCINEMIA; GLYCINEMIA, KETOTIC. Identifiers: Orphanet 35, MedGen C0268579, MONDO:0011628, OMIM 606054, HP:0003571.

Allele frequency attached by ClinVar (database versions not stated): 1000 Genomes Project 30x 0.00031; 1000 Genomes Project 0.00040; ExAC 0.00056; TOPMed 0.00063; gnomAD exomes 0.00064 and 0.00136; gnomAD 0.00075 and 0.00076; ESP Exome Variant Server 0.00085.
gnomAD v4.1: 2,092 of 1,614,098 alleles (0.13%); highest among the groups gnomAD compares: Non-Finnish European, 0.16%; 2 homozygotes.

Submissions (9):

CeGaT Center for Human Genetics Tuebingen
Classification: Likely benign. Last evaluated: 2026-04-01. Review status: criteria provided, single submitter. Criteria: CeGaT Center For Human Genetics Tuebingen Variant Classification Criteria Version 2. Collection method: clinical testing. Allele origin: germline. Affected: yes. Observed: 2 variant alleles.
Comment: PCCB: BS2

GeneDx
Classification: Uncertain significance. Last evaluated: 2026-03-24. Review status: criteria provided, single submitter. Criteria: GeneDx Variant Classification Process June 2021. Collection method: clinical testing. Allele origin: germline.
Comment: Reported in heterozygous state in unrelated patients with secondary amenorrhea in published literature (PMID: 36099812); In silico analysis supports that this missense variant has a deleterious effect on protein structure/function; This variant is associated with the following publications: (PMID: 36099812)

Mayo Clinic Laboratories, Mayo Clinic
Classification: Uncertain significance. Last evaluated: 2025-05-29. Review status: criteria provided, single submitter. Criteria: ACMG Guidelines, 2015. Collection method: clinical testing. Allele origin: germline. Observed: 2 variant alleles.

Blueprint Genetics
Classification: Likely benign. Last evaluated: 2024-09-19. Review status: criteria provided, single submitter. Criteria: ACMG Guidelines, 2015. Collection method: clinical testing. Allele origin: germline.

Revvity Omics, Revvity
Classification: Uncertain significance for Propionic acidemia. Last evaluated: 2022-12-13. Review status: criteria provided, single submitter. Criteria: ACMG Guidelines, 2015. Collection method: clinical testing. Allele origin: germline.

Labcorp Genetics (formerly Invitae), Labcorp
Classification: Uncertain significance for Propionic acidemia. Last evaluated: 2022-11-01. Review status: criteria provided, single submitter. Criteria: Invitae Variant Classification Sherloc (09022015). Collection method: clinical testing. Allele origin: germline.
Comment: This sequence change replaces threonine, which is neutral and polar, with isoleucine, which is neutral and non-polar, at codon 304 of the PCCB protein (p.Thr304Ile). This variant is present in population databases (rs147538201, gnomAD 0.1%), and has an allele count higher than expected for a pathogenic variant. This variant has not been reported in the literature in individuals affected with PCCB-related conditions. ClinVar contains an entry for this variant (Variation ID: 566744). Advanced modeling of protein sequence and biophysical properties (such as structural, functional, and spatial information, amino acid conservation, physicochemical variation, residue mobility, and thermodynamic stability) has been performed at Invitae for this missense variant, however the output from this modeling did not meet the statistical confidence thresholds required to predict the impact of this variant on PCCB protein function. In summary, the available evidence is currently insufficient to determine the role of this variant in disease. Therefore, it has been classified as a Variant of Uncertain Significance.

Ambry Genetics
Classification: Uncertain significance for Inborn genetic diseases. Last evaluated: 2021-08-02. Review status: criteria provided, single submitter. Criteria: Ambry Variant Classification Scheme 2023. Collection method: clinical testing. Allele origin: germline.

Fulgent Genetics
Classification: Uncertain significance for Propionic acidemia. Last evaluated: 2018-10-31. Review status: criteria provided, single submitter. Criteria: ACMG Guidelines, 2015. Collection method: clinical testing. Allele origin: unknown.

Natera, Inc.
Classification: Uncertain significance for Propionic acidemia. Last evaluated: 2020-09-16. Review status: no assertion criteria provided. Collection method: clinical testing. Allele origin: germline. Not counted in ClinVar's aggregate classification.

Literature cited by the submitters: PubMed 36099812 (cited by Mayo Clinic Laboratories, Mayo Clinic).